The following is an entry in ClinVar:

ClinVar aggregate classification (germline): Uncertain significance. Review status: criteria provided, multiple submitters, no conflicts (2 of 4 stars). 4 submissions from 4 submitters: Uncertain significance (4). Last evaluated 2026-08-21.

Conditions:
ELN-related disorder.
Supravalvar aortic stenosis (SVAS). Also called: Supravalvar aortic stenosis, Eisenberg type. Identifiers: Orphanet 3193, MedGen C0003499, MONDO:0008504, OMIM 185500, HP:0004381.

Submissions (4):

GeneDx
Classification: Uncertain significance. Last evaluated: 2026-08-21. Review status: criteria provided, single submitter. Criteria: GeneDx Variant Classification Process June 2021. Collection method: clinical testing. Allele origin: germline.
Comment: Identified in a patient with sudden cardiac death (SCD) (PMID: 37936622); In silico analysis supports a deleterious effect on protein structure/function; In-frame deletion of 5 amino acid(s) in a non-repeat region; This variant is associated with the following publications: (PMID: 37936622)

CeGaT Center for Human Genetics Tuebingen
Classification: Uncertain significance. Last evaluated: 2026-06-01. Review status: criteria provided, single submitter. Criteria: CeGaT Center For Human Genetics Tuebingen Variant Classification Criteria Version 2. Collection method: clinical testing. Allele origin: germline. Affected: yes. Observed: 1 variant allele.
Comment: ELN: PM4

Labcorp Genetics (formerly Invitae), Labcorp
Classification: Uncertain significance for Supravalvar aortic stenosis. Last evaluated: 2025-12-23. Review status: criteria provided, single submitter. Criteria: Invitae Variant Classification Sherloc (09022015). Collection method: clinical testing. Allele origin: germline.
Comment: This variant, c.2142_2156del, results in the deletion of 5 amino acids of the ELN protein (p.Gly715_Val719del), but otherwise preserves the integrity of the reading frame. This variant is present in population databases (rs782015142, gnomAD 0.06%), and has an allele count higher than expected for a pathogenic variant. This variant has not been reported in the literature in individuals affected with ELN-related conditions. ClinVar contains an entry for this variant (Variation ID: 578626). Experimental studies and prediction algorithms are not available or were not evaluated, and the functional significance of this variant is currently unknown. In summary, the available evidence is currently insufficient to determine the role of this variant in disease. Therefore, it has been classified as a Variant of Uncertain Significance.

PreventionGenetics, part of Exact Sciences
Classification: Uncertain significance for ELN-related condition. Last evaluated: 2022-12-09. Review status: criteria provided, single submitter. Criteria: ACMG Guidelines, 2015. Collection method: clinical testing. Allele origin: germline.
Comment: The ELN c.1956_1970del15 variant is predicted to result in an in-frame deletion (p.Gly653_Val657del). To our knowledge, this variant has not been reported in the literature. This variant is reported in 0.064% of alleles in individuals of Latino descent in gnomAD. Although we suspect that this variant may be benign, at this time, the clinical significance of this variant is uncertain due to the absence of conclusive functional and genetic evidence.

NM_000501.4(ELN):c.1956_1970del (p.648GGLGV[1])

Gene: ELN (elastin; plus strand). Cytogenetic location: 7q11.23.
Variant type: Deletion.
Coding change: c.1956_1970del on transcript NM_000501.4 (MANE Select); coding-DNA positions 1956 to 1970, 15 bases deleted (CGGAGGGCTTGGAGT).
Protein change: p.648GGLGV[1].
Molecular consequence: inframe deletion.
Genome position (GRCh38, 1-based): chr7:74,063,658-74,063,672, CGGAGGGCTTGGAGT deleted; deleting any 15 consecutive bases within chr7:74,063,653-74,063,672 gives the same sequence; the c. name uses the placement nearest the transcript's 3' end. VCF-style (leftmost placement, unchanged base first): chr7-74063652-CGGAGTCGGAGGGCTT-C. GRCh37 (hg19) VCF-style: chr7-73477982-CGGAGTCGGAGGGCTT-C.
Other names: c.1869_1883del, p.619GGLGV[1] (NM_001081752.3); c.1914_1928del, p.634GGLGV[1] (NM_001081753.3); c.1971_1985del, p.653GGLGV[1] (NM_001081754.3); c.1899_1913del, p.629GGLGV[1] (NM_001081755.3); c.1956_1970del, p.648GGLGV[1] (NM_001278912.2); c.1713_1727del, p.567GGLGV[1] (NM_001278913.2); c.1884_1898del, p.624GGLGV[1] (NM_001278914.2); c.1974_1988del, p.654GGLGV[1] (NM_001278915.2); and 6 more.
Identifiers: ClinVar variation 578626 (VCV000578626.17), dbSNP rs782015142, ClinGen allele CA4293313.